The following is an entry in ClinVar:

ClinVar aggregate classification (germline): Uncertain significance (1 of 4 stars; one submission).

Submission:

GeneDx
Classification: Uncertain significance. Last evaluated: 2023-09-27. Review status: criteria provided, single submitter. Criteria: GeneDx Variant Classification Process June 2021. Collection method: clinical testing. Allele origin: germline. Affected: yes.
Comment: Not observed in large population cohorts (gnomAD); In-frame deletion of one amino acid and insertion of three amino acids in a non-repeat region; In silico analysis, which includes protein predictors and evolutionary conservation, supports a deleterious effect; Has not been previously published as pathogenic or benign to our knowledge

NM_001083619.3(GRIA2):c.1123_1125delinsTCAAAACTA (p.Ile375delinsSerLysLeu)

Gene: GRIA2 (glutamate ionotropic receptor AMPA type subunit 2; plus strand). Cytogenetic location: 4q32.1.
Variant type: Indel.
Coding change: c.1123_1125delinsTCAAAACTA on transcript NM_001083619.3 (MANE Select); coding-DNA positions 1123 to 1125, ATC replaced by TCAAAACTA.
Protein change: p.Ile375delinsSerLysLeu.
Molecular consequence: inframe indel.
Genome position (GRCh38, 1-based): chr4:157,333,321-157,333,323, ATC replaced by TCAAAACTA. VCF-style: chr4-157333321-ATC-TCAAAACTA. GRCh37 (hg19) VCF-style: chr4-158254473-ATC-TCAAAACTA.
Other names: c.1123_1125delinsTCAAAACTA, p.Ile375delinsSerLysLeu (NM_000826.6); c.982_984delinsTCAAAACTA, p.Ile328delinsSerLysLeu (NM_001083620.3, NM_001379000.3, NM_001379001.3).
Identifiers: ClinVar variation 1316169 (VCV001316169.4), dbSNP rs2126933257, ClinGen allele CA2573052311.